The following is an entry in ClinVar:

NM_020207.7(ERCC6L2):c.2671A>G (p.Ile891Val)

Gene: ERCC6L2 (ERCC excision repair 6 like 2; plus strand). Cytogenetic location: 9q22.32.
Variant type: single nucleotide variant.
Coding change: c.2671A>G on transcript NM_020207.7 (MANE Select); coding-DNA position 2671, A replaced by G.
Protein change: p.Ile891Val; replaces isoleucine 891 with valine.
Molecular consequence: missense variant. On other transcripts: non-coding transcript variant (1).
Genome position (GRCh38, 1-based): chr9:95,972,422, A>G. VCF-style: chr9-95972422-A-G. GRCh37 (hg19) VCF-style: chr9-98734704-A-G.
Other names: c.2671A>G, p.Ile891Val (NM_001375291.1, NM_001375292.1, NM_001375293.1 and 1 more transcripts); short protein forms I891V.
Identifiers: ClinVar variation 1382093 (VCV001382093.8), dbSNP rs1202172083, ClinGen allele CA589285378.

ClinVar aggregate classification (germline): Uncertain significance (1 of 4 stars; one submission).

Allele frequency attached by ClinVar (database versions not stated): gnomAD exomes below 0.00001 and 0.00001.
gnomAD v4.1: 6 of 1,278,554 alleles (0.00047%); highest among the groups gnomAD compares: East Asian, 0.0056%; no homozygotes.

Submission:

Labcorp Genetics (formerly Invitae), Labcorp
Classification: Uncertain significance. Last evaluated: 2025-07-28. Review status: criteria provided, single submitter. Criteria: Invitae Variant Classification Sherloc (09022015). Collection method: clinical testing. Allele origin: germline.
Comment: This sequence change replaces isoleucine, which is neutral and non-polar, with valine, which is neutral and non-polar, at codon 902 of the ERCC6L2 protein (p.Ile902Val). This variant is present in population databases (no rsID available, gnomAD 0.005%). This variant has not been reported in the literature in individuals affected with ERCC6L2-related conditions. ClinVar contains an entry for this variant (Variation ID: 1382093). Experimental studies and prediction algorithms are not available or were not evaluated, and the functional significance of this variant is currently unknown. In summary, the available evidence is currently insufficient to determine the role of this variant in disease. Therefore, it has been classified as a Variant of Uncertain Significance.